The following is an entry in ClinVar:

ClinVar aggregate classification (germline): Uncertain significance (1 of 4 stars; one submission).

Conditions:
Cardiovascular phenotype. Identifiers: MedGen CN230736.

Submission:

Ambry Genetics
Classification: Uncertain significance for Cardiovascular phenotype. Last evaluated: 2025-06-15. Review status: criteria provided, single submitter. Criteria: Ambry Variant Classification Scheme 2023. Collection method: clinical testing. Allele origin: germline.
Comment: The p.I1858L variant (also known as c.5572A>C), located in coding exon 27 of the SCN10A gene, results from an A to C substitution at nucleotide position 5572. The isoleucine at codon 1858 is replaced by leucine, an amino acid with highly similar properties. This amino acid position is conserved. In addition, the in silico prediction for this alteration is inconclusive. Based on the available evidence, the clinical significance of this variant remains unclear.

NM_006514.4(SCN10A):c.5572A>C (p.Ile1858Leu)

Gene: SCN10A (sodium voltage-gated channel alpha subunit 10; minus strand). Cytogenetic location: 3p22.2.
Variant type: single nucleotide variant.
Coding change: c.5572A>C on transcript NM_006514.4 (MANE Select); coding-DNA position 5572, A replaced by C.
Protein change: p.Ile1858Leu; replaces isoleucine 1858 with leucine.
Molecular consequence: missense variant.
Genome position (GRCh38, 1-based): chr3:38,697,648, T>G on the plus strand (A>C on the coding strand, the complement: SCN10A is on the minus strand). VCF-style: chr3-38697648-T-G. GRCh37 (hg19) VCF-style: chr3-38739139-T-G.
Other names: c.5569A>C, p.Ile1857Leu (NM_001293306.2); c.5278A>C, p.Ile1760Leu (NM_001293307.2); short protein forms I1760L, I1858L, I1857L.
Identifiers: ClinVar variation 4160536 (VCV004160536.1).